The following is an entry in ClinVar:

NC_000007.14:g.156769103C>T

Genes: LMBR1 (limb development membrane protein 1; minus strand), SHH (sonic hedgehog signaling molecule; minus strand). Cytogenetic location: 7q36.3.
Variant type: single nucleotide variant.
Molecular consequence: intron variant (on NM_022458.4).
Genome position: GRCh38 VCF-style: chr7-156769103-C-T. GRCh37 (hg19) VCF-style: chr7-156561797-C-T.
Other names: c.361-5308G>A (NM_001363412.2); c.145-5308G>A (NM_001350954.2); c.424-5308G>A (NM_001363410.2, NM_022458.4, NM_001363409.2 and 1 more transcripts); c.-33-5308G>A (NM_001350958.2, NM_001350956.2, NM_001350955.2 and 1 more transcripts); c.55-5308G>A (NM_001350957.2, NM_001363411.2).
Identifiers: ClinVar variation 2794291 (VCV002794291.3), dbSNP rs1481205234, ClinGen allele CA835794356.

ClinVar aggregate classification (germline): Uncertain significance (1 of 4 stars; one submission).

Conditions:
Holoprosencephaly 3 (HPE3). Identifiers: Orphanet 2162, MedGen C1840529, MONDO:0007733, OMIM 142945.

Allele frequency attached by ClinVar (database versions not stated): TOPMed 0.00002.

Submission:

Labcorp Genetics (formerly Invitae), Labcorp
Classification: Uncertain significance for Holoprosencephaly 3. Last evaluated: 2023-04-18. Review status: criteria provided, single submitter. Criteria: Invitae Variant Classification Sherloc (09022015). Collection method: clinical testing. Allele origin: germline.
Comment: In summary, the available evidence is currently insufficient to determine the role of this variant in disease. Therefore, it has been classified as a Variant of Uncertain Significance. Experimental studies and prediction algorithms are not available or were not evaluated, and the effect of this variant on mRNA splicing is currently unknown. This variant has not been reported in the literature in individuals affected with SHH-related conditions. This variant is not present in population databases (gnomAD no frequency). This variant occurs in a non-coding region of the SHH gene. It does not change the encoded amino acid sequence of the SHH protein.